The following is an entry in ClinVar:

ClinVar aggregate classification (germline): Uncertain significance. Review status: criteria provided, multiple submitters, no conflicts (2 of 4 stars). 3 submissions from 3 submitters: Uncertain significance (3). Last evaluated 2025-08-09.

Conditions:
Inborn genetic diseases. Identifiers: MedGen C0950123, MeSH D030342.

Allele frequency attached by ClinVar (database versions not stated): TOPMed 0.00027; 1000 Genomes Project 30x 0.00031; ESP Exome Variant Server 0.00038.
gnomAD v4.1: 329 of 1,613,200 alleles (0.02%); highest among the groups gnomAD compares: Non-Finnish European, 0.026%; no homozygotes.

Submissions (3):

Ambry Genetics
Classification: Uncertain significance for Inborn genetic diseases. Last evaluated: 2025-08-09. Review status: criteria provided, single submitter. Criteria: Ambry Variant Classification Scheme 2023. Collection method: clinical testing. Allele origin: germline.

GeneDx
Classification: Uncertain significance. Last evaluated: 2024-07-09. Review status: criteria provided, single submitter. Criteria: GeneDx Variant Classification Process June 2021. Collection method: clinical testing. Allele origin: germline. Affected: yes.
Comment: In silico analysis indicates that this missense variant does not alter protein structure/function; Has not been previously published as pathogenic or benign to our knowledge

Labcorp Genetics (formerly Invitae), Labcorp
Classification: Uncertain significance. Last evaluated: 2022-07-24. Review status: criteria provided, single submitter. Criteria: Invitae Variant Classification Sherloc (09022015). Collection method: clinical testing. Allele origin: germline.
Comment: This sequence change replaces threonine, which is neutral and polar, with arginine, which is basic and polar, at codon 784 of the LRPPRC protein (p.Thr784Arg). This variant is present in population databases (rs141384427, gnomAD 0.02%). This variant has not been reported in the literature in individuals affected with LRPPRC-related conditions. Algorithms developed to predict the effect of missense changes on protein structure and function output the following: SIFT: "Tolerated"; PolyPhen-2: "Benign"; Align-GVGD: "Class C0". The arginine amino acid residue is found in multiple mammalian species, which suggests that this missense change does not adversely affect protein function. In summary, the available evidence is currently insufficient to determine the role of this variant in disease. Therefore, it has been classified as a Variant of Uncertain Significance.

NM_133259.4(LRPPRC):c.2351C>G (p.Thr784Arg)

Gene: LRPPRC (leucine rich pentatricopeptide repeat containing; minus strand). Cytogenetic location: 2p21.
Variant type: single nucleotide variant.
Coding change: c.2351C>G on transcript NM_133259.4 (MANE Select); coding-DNA position 2351, C replaced by G.
Protein change: p.Thr784Arg; replaces threonine 784 with arginine.
Molecular consequence: missense variant.
Genome position (GRCh38, 1-based): chr2:43,943,840, G>C on the plus strand (C>G on the coding strand, the complement: LRPPRC is on the minus strand). VCF-style: chr2-43943840-G-C. GRCh37 (hg19) VCF-style: chr2-44170979-G-C.
Other names: c.2351C>G (NM_133259.3); short protein forms T784R.
Identifiers: ClinVar variation 2039465 (VCV002039465.3), dbSNP rs141384427, ClinGen allele CA1638483.